The following is an entry in ClinVar:

ClinVar aggregate classification (germline): Uncertain significance. Review status: criteria provided, multiple submitters, no conflicts (2 of 4 stars). 2 submissions from 2 submitters: Uncertain significance (2). Last evaluated 2024-04-22.

Conditions:
Wilson disease (WND). Also called: Wilson's disease. Identifiers: Orphanet 905, MedGen C0019202, MONDO:0010200, OMIM 277900. Disease mechanism: loss of function.

gnomAD v4.1: 3 of 1,614,076 alleles (0.00019%); highest among the groups gnomAD compares: South Asian, 0.0033%; no homozygotes.

Submissions (2):

Fulgent Genetics
Classification: Uncertain significance for Wilson disease. Last evaluated: 2024-04-22. Review status: criteria provided, single submitter. Criteria: ACMG Guidelines, 2015. Collection method: clinical testing. Allele origin: germline.

Labcorp Genetics (formerly Invitae), Labcorp
Classification: Uncertain significance for Wilson disease. Last evaluated: 2022-06-02. Review status: criteria provided, single submitter. Criteria: Invitae Variant Classification Sherloc (09022015). Collection method: clinical testing. Allele origin: germline.
Comment: In summary, the available evidence is currently insufficient to determine the role of this variant in disease. Therefore, it has been classified as a Variant of Uncertain Significance. Advanced modeling of protein sequence and biophysical properties (such as structural, functional, and spatial information, amino acid conservation, physicochemical variation, residue mobility, and thermodynamic stability) performed at Invitae indicates that this missense variant is expected to disrupt ATP7B protein function. This sequence change replaces glutamic acid, which is acidic and polar, with aspartic acid, which is acidic and polar, at codon 162 of the ATP7B protein (p.Glu162Asp). This variant is present in population databases (no rsID available, gnomAD 0.003%). This variant has not been reported in the literature in individuals affected with ATP7B-related conditions.

NM_000053.4(ATP7B):c.486A>C (p.Glu162Asp)

Gene: ATP7B (ATPase copper transporting beta; minus strand). Cytogenetic location: 13q14.3.
Variant type: single nucleotide variant.
Coding change: c.486A>C on transcript NM_000053.4 (MANE Select); coding-DNA position 486, A replaced by C.
Protein change: p.Glu162Asp; replaces glutamic acid 162 with aspartic acid.
Molecular consequence: missense variant.
Genome position (GRCh38, 1-based): chr13:51,974,734, T>G on the plus strand (A>C on the coding strand, the complement: ATP7B is on the minus strand). VCF-style: chr13-51974734-T-G. GRCh37 (hg19) VCF-style: chr13-52548870-T-G.
Other names: c.486A>C, p.Glu162Asp (NM_001406513.1, NM_001406514.1, NM_001406515.1 and 30 more transcripts); c.390A>C, p.Glu130Asp (NM_001406517.1, NM_001406518.1, NM_001406530.1 and 4 more transcripts); short protein forms E130D, E162D.
Identifiers: ClinVar variation 1951366 (VCV001951366.6), dbSNP rs1290525428, ClinGen allele CA388043915.
Genomic context (GRCh38, chr13:51,974,734, plus strand): 5'-CTCTTGGTTGCTGAGTGAGACTTTGACTCTCACTACTCCTTGCAGTTTCCGGACCTTGCC[T>G]TCAATGGAGCTGACACAGGACTGGCAGGTCATGCCCTCCACCCGGAGCTTGACCACAGCC-3'
Protein context (NP_000044.2, residues 152-172): MTCQSCVSSI[Glu162Asp]GKVRKLQGVV